The following is an entry in ClinVar:

NM_004082.5(DCTN1):c.2147A>G (p.Asn716Ser)

Gene: DCTN1 (dynactin subunit 1; minus strand). Cytogenetic location: 2p13.1.
Variant type: single nucleotide variant.
Coding change: c.2147A>G on transcript NM_004082.5 (MANE Select); coding-DNA position 2147, A replaced by G.
Protein change: p.Asn716Ser; replaces asparagine 716 with serine.
Molecular consequence: missense variant. On other transcripts: non-coding transcript variant (1).
Genome position (GRCh38, 1-based): chr2:74,367,733, T>C on the plus strand (A>G on the coding strand, the complement: DCTN1 is on the minus strand). VCF-style: chr2-74367733-T-C. GRCh37 (hg19) VCF-style: chr2-74594860-T-C.
Other names: c.2087A>G, p.Asn696Ser (NM_001135040.3); c.1745A>G, p.Asn582Ser (NM_001135041.3, NM_023019.4); c.2036A>G, p.Asn679Ser (NM_001190836.2); c.2126A>G, p.Asn709Ser (NM_001190837.2); c.2096A>G, p.Asn699Ser (NM_001378991.1); c.2078A>G, p.Asn693Ser (NM_001378992.1); short protein forms N582S, N679S, N693S, N696S, N699S, N709S, N716S.
Identifiers: ClinVar variation 2651071 (VCV002651071.27), dbSNP rs767075039, ClinGen allele CA1721947.
Genomic context (GRCh38, chr2:74,367,733, plus strand): 5'-AAGCCCAAATTCTTGCCCCACACCTGATAGTACTTGATGGCCTTGGTGAGAGGCTCCACA[T>C]TGACAGTCTCATCCAGCTGATCCTTGTGCAGCAGTTCAATGAGGAAATCCAAGGAGCGCT-3'
Protein context (NP_004073.2, residues 706-726): LHKDQLDETV[Asn716Ser]VEPLTKAIKY

ClinVar aggregate classification (germline): Uncertain significance. Review status: criteria provided, multiple submitters, no conflicts (2 of 4 stars). 3 submissions from 3 submitters: Uncertain significance (3). Last evaluated 2025-08-01.

Conditions:
Amyotrophic lateral sclerosis type 1 (ALS1). Also called: AMYOTROPHIC LATERAL SCLEROSIS 1, FAMILIAL. Identifiers: Orphanet 803, MedGen C1862939, MONDO:0007103, OMIM 105400.
Neuronopathy, distal hereditary motor, type 7B. Also called: HMN VIIB; LOWER MOTOR NEURON DISEASE, DYNACTIN TYPE; NEURONOPATHY, DISTAL HEREDITARY MOTOR, AUTOSOMAL DOMINANT 14; NEURONOPATHY, DISTAL HEREDITARY MOTOR, HARDING TYPE VIIB; NEUROPATHY, DISTAL HEREDITARY MOTOR, HARDING TYPE VIIB; NEUROPATHY, DISTAL HEREDITARY MOTOR, WITH VOCAL CORD PARALYSIS, HARDING TYPE VIIB. Identifiers: Orphanet 139589, MedGen C1843315, MONDO:0011879, OMIM 607641.
Perry syndrome. Also called: PARKINSONISM WITH ALVEOLAR HYPOVENTILATION AND MENTAL DEPRESSION. Identifiers: Orphanet 178509, MedGen C1868594, MONDO:0008201, OMIM 168605.
DCTN1-related disorder. Also called: DCTN1-related condition.

Allele frequency attached by ClinVar (database versions not stated): gnomAD 0.00001; ExAC 0.00002.
gnomAD v4.1: 20 of 1,614,070 alleles (0.0012%); highest among the groups gnomAD compares: South Asian, 0.0066%; no homozygotes.

Submissions (3):

Labcorp Genetics (formerly Invitae), Labcorp
Classification: Uncertain significance for Amyotrophic lateral sclerosis type 1; Neuronopathy, distal hereditary motor, type 7B; Perry syndrome. Last evaluated: 2025-08-01. Review status: criteria provided, single submitter. Criteria: Invitae Variant Classification Sherloc (09022015). Collection method: clinical testing. Allele origin: germline.
Comment: This sequence change replaces asparagine, which is neutral and polar, with serine, which is neutral and polar, at codon 716 of the DCTN1 protein (p.Asn716Ser). This variant is present in population databases (rs767075039, gnomAD 0.01%). This variant has not been reported in the literature in individuals affected with DCTN1-related conditions. ClinVar contains an entry for this variant (Variation ID: 2651071). Invitae Evidence Modeling of protein sequence and biophysical properties (such as structural, functional, and spatial information, amino acid conservation, physicochemical variation, residue mobility, and thermodynamic stability) indicates that this missense variant is not expected to disrupt DCTN1 protein function with a negative predictive value of 95%. In summary, the available evidence is currently insufficient to determine the role of this variant in disease. Therefore, it has been classified as a Variant of Uncertain Significance.

PreventionGenetics, part of Exact Sciences
Classification: Uncertain significance for DCTN1-related condition. Last evaluated: 2025-07-31. Review status: criteria provided, single submitter. Criteria: ACMG Guidelines, 2015. Collection method: clinical testing. Allele origin: germline.
Comment: The DCTN1 c.2147A>G variant is predicted to result in the amino acid substitution p.Asn716Ser. To our knowledge, this variant has not been reported in the literature. This variant is reported in 0.0099% of alleles in individuals of Ashkenazi Jewish descent in gnomAD. At this time, the clinical significance of this variant is uncertain due to the absence of conclusive functional and genetic evidence.

CeGaT Center for Human Genetics Tuebingen
Classification: Uncertain significance. Last evaluated: 2023-10-01. Review status: criteria provided, single submitter. Criteria: CeGaT Center For Human Genetics Tuebingen Variant Classification Criteria Version 2. Collection method: clinical testing. Allele origin: germline. Affected: yes. Observed: 1 variant allele.